The following is an entry in ClinVar:

ClinVar aggregate classification (germline): Likely pathogenic (1 of 4 stars; one submission).

Conditions:
Hereditary cancer-predisposing syndrome. Also called: Neoplastic Syndromes, Hereditary; Tumor predisposition; Hereditary neoplastic syndrome; Hereditary Cancer Syndrome. Identifiers: Orphanet 140162, MedGen C0027672, MeSH D009386, MONDO:0015356.
Cardiovascular phenotype. Identifiers: MedGen CN230736.

Submission:

Ambry Genetics
Classification: Likely pathogenic for Cardiovascular phenotype; Hereditary cancer-predisposing syndrome. Last evaluated: 2023-09-08. Review status: criteria provided, single submitter. Criteria: Ambry Variant Classification Scheme 2023. Collection method: clinical testing. Allele origin: germline.
Comment: The c.7303_7394+21del113 variant results from a deletion of 113 nucleotides between positions c.7303 and c.7394+21 and involves the canonical splice donor site after coding exon 49 of the NF1 gene. This variant is considered to be rare based on population cohorts in the Genome Aggregation Database (gnomAD). In silico splice site analysis predicts that this alteration will result in the creation or strengthening of a novel splice donor site. RNA studies have demonstrated that this alteration results in abnormal splicing in the set of samples tested (Ambry internal data). Alterations that disrupt the canonical splice site are expected to cause aberrant splicing, resulting in an abnormal protein or a transcript that is subject to nonsense-mediated mRNA decay. As such, this alteration is classified as likely pathogenic.

NM_001042492.3(NF1):c.7366_7457+21del

Gene: NF1 (neurofibromin 1; plus strand). Cytogenetic location: 17q11.2.
Variant type: Deletion.
Coding change: c.7366_7457+21del on transcript NM_001042492.3 (MANE Select); coding-DNA position 7366 through 21 bases into the intron after coding-DNA position 7457, 113 bases deleted.
Molecular consequence: splice donor variant.
Genome position (GRCh38, 1-based): chr17:31,350,227-31,350,339, 113 bases deleted. GRCh37 (hg19): chr17:29,677,245-29,677,357.
Other names: c.7303_7394+21del113 (NM_000267.3); c.7303_7394+21del (NM_000267.4).
Identifiers: ClinVar variation 3237935 (VCV003237935.1), dbSNP rs2508805418.